The following is an entry in ClinVar:

ClinVar aggregate classification (germline): Uncertain significance (3 of 4 stars; one submission).

Conditions:
Bernard Soulier syndrome (BSS). Also called: GLYCOPROTEIN Ib, PLATELET, DEFICIENCY OF; PLATELET GLYCOPROTEIN Ib DEFICIENCY; VON WILLEBRAND FACTOR RECEPTOR DEFICIENCY; Giant platelet syndrome; Hemorrhagiparous thrombocytic dystrophy; Giant platelet disease. Identifiers: Orphanet 274, MedGen C0005129, MeSH D001606, MONDO:0009276, OMIM 231200.

Submission:

ClinGen Platelet Disorders Variant Curation Expert Panel, ClinGen
Classification: Uncertain significance for Bernard Soulier syndrome. Last evaluated: 2025-05-01. Review status: reviewed by expert panel. Criteria: ClinGen Platelet ACMG Specifications GP1BA V1.0.0. Collection method: curation. Allele origin: germline. Inheritance: Autosomal recessive inheritance.
Comment: The c.790T>C variant in GP1BA is a missense variant predicted to cause substitution of Cysteine by Arginine at amino acid 264 (p.Cys264Arg). This variant is absent from gnomAD v4.1.0 (PM2_Supporting). This variant has been detected in at least 1 proband with Bernard-Soulier syndrome (PMID 31302646) This individual was homozygous for the variant (0.5 PM3 points, PM3_Supporting). In summary, this variant meets the criteria to be classified as VUS for autosomal recessive Bernard-Soulier syndrome based on the ACMG/AMP criteria applied, as specified by the ClinGen PD VCEP: PM2_Supporting and PM3_Supporting (VCEP specifications version 1.0.0).

NM_000173.7(GP1BA):c.790T>C (p.Cys264Arg)

Gene: GP1BA (glycoprotein Ib platelet subunit alpha; plus strand). Cytogenetic location: 17p13.2.
Variant type: single nucleotide variant.
Coding change: c.790T>C on transcript NM_000173.7 (MANE Select); coding-DNA position 790, T replaced by C.
Protein change: p.Cys264Arg; replaces cysteine 264 with arginine.
Molecular consequence: missense variant.
Genome position (GRCh38, 1-based): chr17:4,933,394, T>C. VCF-style: chr17-4933394-T-C. GRCh37 (hg19) VCF-style: chr17-4836689-T-C.
Other names: NM_000173.7:c.790T>C; short protein forms C264R.
Identifiers: ClinVar variation 4087789 (VCV004087789.1).
Genomic context (GRCh38, chr17:4,933,394, plus strand): 5'-TACGTATGGAAGCAAGGTGTGGACGTCAAGGCCATGACCTCTAACGTGGCCAGTGTGCAG[T>C]GTGACAATTCAGACAAGTTTCCCGTCTACAAATACCCAGGAAAGGGGTGCCCCACCCTTG-3'
Protein context (NP_000164.5, residues 254-274): AMTSNVASVQ[Cys264Arg]DNSDKFPVYK